The following is an entry in ClinVar:

NM_002546.4(TNFRSF11B):c.97G>C (p.Glu33Gln)

Gene: TNFRSF11B (TNF receptor superfamily member 11b; minus strand). Cytogenetic location: 8q24.12.
Variant type: single nucleotide variant.
Coding change: c.97G>C on transcript NM_002546.4 (MANE Select); coding-DNA position 97, G replaced by C.
Protein change: p.Glu33Gln; replaces glutamic acid 33 with glutamine.
Molecular consequence: missense variant.
Genome position (GRCh38, 1-based): chr8:118,933,234, C>G on the plus strand (G>C on the coding strand, the complement: TNFRSF11B is on the minus strand). VCF-style: chr8-118933234-C-G. GRCh37 (hg19) VCF-style: chr8-119945473-C-G.
Other names: short protein forms E33Q.
Identifiers: ClinVar variation 2695610 (VCV002695610.3), dbSNP rs202090603, ClinGen allele CA4854982.
Genomic context (GRCh38, chr8:118,933,234, plus strand): 5'-GTTGTTTTAGGTAGGTACCAGGAGGACATTTGTCACACAACAGCTGATGAGAGGTTTCTT[C>G]GTCATAATGAAGGTACTTTGGAGGAAACGTTTCCTGGGTGGTCCACTTAATGGAGATGTC-3'
Protein context (NP_002537.3, residues 23-43): TFPPKYLHYD[Glu33Gln]ETSHQLLCDK

ClinVar aggregate classification (germline): Uncertain significance (1 of 4 stars; one submission).

Allele frequency attached by ClinVar (database versions not stated): TOPMed 0.00007; 1000 Genomes Project 30x 0.00047.
gnomAD v4.1: 52 of 1,614,106 alleles (0.0032%); highest among the groups gnomAD compares: East Asian, 0.08%; no homozygotes.

Submission:

Labcorp Genetics (formerly Invitae), Labcorp
Classification: Uncertain significance. Last evaluated: 2024-12-12. Review status: criteria provided, single submitter. Criteria: Invitae Variant Classification Sherloc (09022015). Collection method: clinical testing. Allele origin: germline.
Comment: This sequence change replaces glutamic acid, which is acidic and polar, with glutamine, which is neutral and polar, at codon 33 of the TNFRSF11B protein (p.Glu33Gln). This variant is present in population databases (rs202090603, gnomAD 0.1%). This variant has not been reported in the literature in individuals affected with TNFRSF11B-related conditions. ClinVar contains an entry for this variant (Variation ID: 2695610). Invitae Evidence Modeling of protein sequence and biophysical properties (such as structural, functional, and spatial information, amino acid conservation, physicochemical variation, residue mobility, and thermodynamic stability) indicates that this missense variant is not expected to disrupt TNFRSF11B protein function with a negative predictive value of 80%. In summary, the available evidence is currently insufficient to determine the role of this variant in disease. Therefore, it has been classified as a Variant of Uncertain Significance.